The following is an entry in ClinVar:

NM_014875.3(KIF14):c.814A>T (p.Ser272Cys)

Gene: KIF14 (kinesin family member 14; minus strand). Cytogenetic location: 1q32.1.
Variant type: single nucleotide variant.
Coding change: c.814A>T on transcript NM_014875.3 (MANE Select); coding-DNA position 814, A replaced by T.
Protein change: p.Ser272Cys; replaces serine 272 with cysteine.
Molecular consequence: missense variant. On other transcripts: 5 prime UTR variant (1).
Genome position (GRCh38, 1-based): chr1:200,617,910, T>A on the plus strand (A>T on the coding strand, the complement: KIF14 is on the minus strand). VCF-style: chr1-200617910-T-A. GRCh37 (hg19) VCF-style: chr1-200587038-T-A.
Other names: c.-572A>T (NM_001305792.1); short protein forms S272C.
Identifiers: ClinVar variation 758154 (VCV000758154.39), dbSNP rs564815131, ClinGen allele CA1317962.

ClinVar aggregate classification (germline): Likely benign. Review status: criteria provided, multiple submitters, no conflicts (2 of 4 stars). 2 submissions from 2 submitters: Likely benign (2). Last evaluated 2026-01-03.

Allele frequency attached by ClinVar (database versions not stated): gnomAD 0.00003 and 0.00009; TOPMed 0.00005; gnomAD exomes 0.00021 and 0.00037; ExAC 0.00040; 1000 Genomes Project 0.00060; 1000 Genomes Project 30x 0.00078.
gnomAD v4.1: 324 of 1,614,024 alleles (0.02%); highest among the groups gnomAD compares: South Asian, 0.19%; 6 homozygotes.

Submissions (2):

Labcorp Genetics (formerly Invitae), Labcorp
Classification: Likely benign. Last evaluated: 2026-01-03. Review status: criteria provided, single submitter. Criteria: Invitae Variant Classification Sherloc (09022015). Collection method: clinical testing. Allele origin: germline.

CeGaT Center for Human Genetics Tuebingen
Classification: Likely benign. Last evaluated: 2024-03-01. Review status: criteria provided, single submitter. Criteria: CeGaT Center For Human Genetics Tuebingen Variant Classification Criteria Version 2. Collection method: clinical testing. Allele origin: germline. Affected: yes. Observed: 10 variant alleles.
Comment: KIF14: BP4, BS2